The following is an entry in ClinVar:

ClinVar aggregate classification (germline): Uncertain significance. Review status: criteria provided, multiple submitters, no conflicts (2 of 4 stars). 3 submissions from 3 submitters: Uncertain significance (3). Last evaluated 2025-05-27.

Conditions:
Cardiovascular phenotype. Identifiers: MedGen CN230736.
Cardiomyopathy (CMYO). Also called: Cardiomyopathies. Identifiers: Orphanet 167848, MedGen C0878544, MONDO:0004994, HP:0001638. Inheritance: Various modes of inheritance.

Allele frequency attached by ClinVar (database versions not stated): gnomAD exomes below 0.00001 and 0.00001; ExAC 0.00001.
gnomAD v4.1: 4 of 1,610,512 alleles (0.00025%); highest among the groups gnomAD compares: Middle Eastern, 0.017%; no homozygotes.

Submissions (3):

Ambry Genetics
Classification: Uncertain significance for Cardiovascular phenotype. Last evaluated: 2025-05-27. Review status: criteria provided, single submitter. Criteria: Ambry Variant Classification Scheme 2023. Collection method: clinical testing. Allele origin: germline.
Comment: The p.R412G variant (also known as c.1234A>G), located in coding exon 9 of the NEXN gene, results from an A to G substitution at nucleotide position 1234. The arginine at codon 412 is replaced by glycine, an amino acid with dissimilar properties. This amino acid position is conserved. In addition, this alteration is predicted to be deleterious by in silico analysis. Since supporting evidence is limited at this time, the clinical significance of this alteration remains unclear.

CHEO Genetics Diagnostic Laboratory, Children's Hospital of Eastern Ontario
Classification: Uncertain significance for Cardiomyopathy. Last evaluated: 2022-09-08. Review status: criteria provided, single submitter. Criteria: ACMG Guidelines, 2015. Collection method: clinical testing. Allele origin: germline.

Laboratory for Molecular Medicine, Mass General Brigham Personalized Medicine
Classification: Uncertain significance. Last evaluated: 2015-05-16. Review status: criteria provided, single submitter. Criteria: LMM Criteria. Collection method: clinical testing. Allele origin: germline. Observed: 1 variant allele.
Comment: The p.Arg412Gly variant in NEXN has not been previously reported in individuals with cardiomyopathy, but has been identified in 1/15358 South Asian chromosomes by the Exome Aggregation Consortium (ExAC). Comp utational prediction tools and conservation analysis suggest that the variant ma y impact the protein, though this information is not predictive enough to determ ine pathogenicity. In summary, the clinical significance of the p.Arg412Gly vari ant is uncertain.

NM_144573.4(NEXN):c.1234A>G (p.Arg412Gly)

Gene: NEXN (nexilin F-actin binding protein; plus strand). Cytogenetic location: 1p31.1.
Variant type: single nucleotide variant.
Coding change: c.1234A>G on transcript NM_144573.4 (MANE Select); coding-DNA position 1234, A replaced by G.
Protein change: p.Arg412Gly; replaces arginine 412 with glycine.
Molecular consequence: missense variant.
Genome position (GRCh38, 1-based): chr1:77,933,462, A>G. VCF-style: chr1-77933462-A-G. GRCh37 (hg19) VCF-style: chr1-78399147-A-G.
Other names: c.1042A>G, p.Arg348Gly (NM_001172309.2); short protein forms R412G, R348G.
Identifiers: ClinVar variation 229053 (VCV000229053.11), dbSNP rs768693715, ClinGen allele CA918827.
Genomic context (GRCh38, chr1:77,933,462, plus strand): 5'-CGAACAGAGGAGGAACGGAAGCATAAGCTAGAAATGGAGAAACAAGAATTTGAACAACTG[A>G]GACAGGAAATGGGAGAGGTAAGATTTTAAGAAATATCTATATTCCCCATATTTATTAAGC-3'
Protein context (NP_653174.3, residues 402-422): EMEKQEFEQL[Arg412Gly]QEMGEEEEEN